The following is an entry in ClinVar:

ClinVar aggregate classification (germline): Likely pathogenic (1 of 4 stars; one submission).

Conditions:
Myopathy caused by variation in FKTN. Identifiers: MedGen CN305638, MONDO:0700067.

Submission:

Myriad Genetics, Inc.
Classification: Likely pathogenic for Myopathy caused by variation in FKTN. Last evaluated: 2022-03-03. Review status: criteria provided, single submitter. Criteria: Myriad Autosomal Dominant, Autosomal Recessive and X-Linked Classification Criteria (2023). Collection method: clinical testing. Allele origin: unknown.
Comment: NM_001079802.1(FKTN):c.428_429delAAinsT(K143Mfs*5) is expected to be pathogenic in the context of FKTN-related disorders. This variant is predicted to lead to an abnormal or absent protein product due to the creation of a premature termination codon in FKTN, a gene where loss-of-function variants are known to be pathogenic. Please note: this variant was assessed in the context of healthy population screening.

NM_001079802.2(FKTN):c.428_429delinsT (p.Lys143fs)

Gene: FKTN (fukutin; plus strand). Cytogenetic location: 9q31.2.
Variant type: Indel.
Coding change: c.428_429delinsT on transcript NM_001079802.2 (MANE Select); coding-DNA positions 428 to 429, AA replaced by T.
Protein change: p.Lys143fs; shifts the reading frame from lysine 143.
Molecular consequence: frameshift variant. On other transcripts: non-coding transcript variant (2).
Genome position (GRCh38, 1-based): chr9:105,604,273-105,604,274, AA replaced by T. VCF-style: chr9-105604273-AA-T. GRCh37 (hg19) VCF-style: chr9-108366554-AA-T.
Other names: c.428_429delinsT, p.Lys143fs (NM_001198963.2, NM_001351496.2, NM_001351498.2 and 1 more transcripts); c.359_360delinsT, p.Lys120fs (NM_001351497.2); c.32_33delinsT, p.Lys11fs (NM_001351499.2, NM_001351500.2, NM_001351501.2 and 1 more transcripts); short protein forms K11fs, K120fs, K143fs.
Identifiers: ClinVar variation 1724953 (VCV001724953.3), dbSNP rs2539404585, ClinGen allele CA2580079314.